The following is an entry in ClinVar:

ClinVar aggregate classification (germline): Conflicting classifications of pathogenicity. Review status: criteria provided, conflicting classifications (1 of 4 stars). 3 submissions from 3 submitters: Likely pathogenic (1); Uncertain significance (2). Last evaluated 2022-08-25.

Conditions:
Seizures, benign familial neonatal, 1. Also called: KCNQ2-Related Benign Familial Neonatal Epilepsy; Benign Neonatal Epilepsy 1; KCNQ2-Related Self-Limited Familial Neonatal Epilepsy (SLFNE); Seizures, benign neonatal, 1. Identifiers: Orphanet 1949, MedGen C3149074, MONDO:0007365, OMIM 121200.
Developmental and epileptic encephalopathy, 7 (DEE7). Also called: KCNQ2-Related Neonatal Epileptic Encephalopathy; KCNQ2-Related Neonatal-Onset Developmental and Epileptic Encephalopathy (NEO-DEE); Early infantile epileptic encephalopathy 7. Identifiers: Orphanet 439218, MedGen C3150986, MONDO:0013387, OMIM 613720.

Submissions (3):

University of Washington Department of Laboratory Medicine, University of Washington
Classification: Likely pathogenic for Developmental and epileptic encephalopathy, 7; Seizures, benign familial neonatal, 1. Last evaluated: 2022-08-25. Review status: criteria provided, single submitter. Criteria: ACMG Guidelines, 2015. Collection method: clinical testing. Allele origin: de novo. Affected: yes.
Comment: The p.Tyr363Cys variant has been submitted to ClinVar (Variation ID: 198922) and was absent from large population databases, including the Genome Aggregation Database. Additionally, a different amino acid change at this residue (p.Tyr363His) has been previously reported in an individual with early-infantile epileptic encephalopathy (de Kovel 2016), suggesting the p.Tyr363Cys variant may similarly disrupt protein function. In silico tools predict that the p.Tyr363Cys variant is deleterious; however, these predictions have not been tested directly. Using ACMG guidelines, this variant was classified as likely pathogenic for autosomal dominant KCNQ2-related disorders (ACMG evidence codes used: PS2_moderate, PS4_supporting, PM2_supporting, PM5_supporting, PP3).

CeGaT Center for Human Genetics Tuebingen
Classification: Uncertain significance. Last evaluated: 2016-06-01. Review status: criteria provided, single submitter. Criteria: CeGaT Center For Human Genetics Tuebingen Variant Classification Criteria Version 2. Collection method: clinical testing. Allele origin: germline. Affected: yes. Observed: 1 variant allele.

Eurofins Ntd Llc (ga)
Classification: Uncertain significance. Last evaluated: 2014-11-05. Review status: criteria provided, single submitter. Criteria: EGL Classification Definitions 2015. Collection method: clinical testing. Allele origin: germline. Observed: 1 variant allele, 1 heterozygote.

NM_172107.4(KCNQ2):c.1088A>G (p.Tyr363Cys)

Gene: KCNQ2 (potassium voltage-gated channel subfamily Q member 2; minus strand). Cytogenetic location: 20q13.33.
Variant type: single nucleotide variant.
Coding change: c.1088A>G on transcript NM_172107.4 (MANE Select); coding-DNA position 1088, A replaced by G.
Protein change: p.Tyr363Cys; replaces tyrosine 363 with cysteine.
Molecular consequence: missense variant.
Genome position (GRCh38, 1-based): chr20:63,433,839, T>C on the plus strand (A>G on the coding strand, the complement: KCNQ2 is on the minus strand). VCF-style: chr20-63433839-T-C. GRCh37 (hg19) VCF-style: chr20-62065192-T-C.
Other names: c.1088A>G (NM_172107.3); c.1088A>G, p.Tyr363Cys (NM_004518.6, NM_172106.3, NM_172108.5 and 1 more transcripts); short protein forms Y363C.
Identifiers: ClinVar variation 198922 (VCV000198922.47), dbSNP rs794727935, ClinGen allele CA247827.